The following is an entry in ClinVar:

ClinVar aggregate classification (germline): Benign/Likely benign. Review status: criteria provided, multiple submitters, no conflicts (2 of 4 stars). 3 submissions from 3 submitters: Benign (2); Likely benign (1). Last evaluated 2026-01-13.

Conditions:
Autosomal recessive limb-girdle muscular dystrophy type 2D (LGMDR3). Also called: ADHALINOPATHY, PRIMARY; DUCHENNE-LIKE AUTOSOMAL RECESSIVE MUSCULAR DYSTROPHY, TYPE 2; MUSCULAR DYSTROPHY, LIMB-GIRDLE, AUTOSOMAL RECESSIVE 3. Identifiers: Orphanet 62, MedGen C2936332, MONDO:0011968, OMIM 608099. Disease mechanism: Affects gamma-sarcoglycan and also disrupts the integrity of the entire sarcoglycan complex..

Submissions (3):

Labcorp Genetics (formerly Invitae), Labcorp
Classification: Benign for Autosomal recessive limb-girdle muscular dystrophy type 2D. Last evaluated: 2026-01-13. Review status: criteria provided, single submitter. Criteria: Invitae Variant Classification Sherloc (09022015). Collection method: clinical testing. Allele origin: germline.

Genome-Nilou Lab
Classification: Benign for Autosomal recessive limb-girdle muscular dystrophy type 2D. Last evaluated: 2023-02-08. Review status: criteria provided, single submitter. Criteria: ACMG Guidelines, 2015. Collection method: clinical testing. Allele origin: germline.

GeneDx
Classification: Likely benign. Last evaluated: 2018-03-01. Review status: criteria provided, single submitter. Criteria: GeneDx Variant Classification (06012015). Collection method: clinical testing. Allele origin: germline. Affected: yes.
Comment: This variant is considered likely benign or benign based on one or more of the following criteria: it is a conservative change, it occurs at a poorly conserved position in the protein, it is predicted to be benign by multiple in silico algorithms, and/or has population frequency not consistent with disease.

NM_000023.4(SGCA):c.386-16del

Gene: SGCA (sarcoglycan alpha; plus strand). Cytogenetic location: 17q21.33.
Variant type: Deletion.
Coding change: c.386-16del on transcript NM_000023.4 (MANE Select); 16 bases into the intron before coding-DNA position 386, one base deleted (C; older notation c.386-16delC).
Molecular consequence: intron variant.
Genome position (GRCh38, 1-based): chr17:50,168,358, C deleted; the last of 2 consecutive C bases (chr17:50,168,357-50,168,358); deleting either gives the same sequence. VCF-style (leftmost placement, unchanged base first): chr17-50168356-TC-T. GRCh37 (hg19) VCF-style: chr17-48245717-TC-T.
Other names: c.386-16delC (NM_000023.2); c.386-16del (LRG_203t1, NM_001135697.3).
Identifiers: ClinVar variation 509920 (VCV000509920.9), dbSNP rs556088617, ClinGen allele CA8643793.